The following is an entry in ClinVar:

ClinVar aggregate classification (germline): Pathogenic (1 of 4 stars; one submission).

Conditions:
Complement component 3 deficiency. Identifiers: Orphanet 280133, MedGen C3151071, MONDO:0013417, OMIM 613779.

Submission:

Genomenon, Inc
Classification: Pathogenic for Complement component 3 deficiency. Last evaluated: 2025-09-30. Review status: criteria provided, single submitter. Criteria: Genomenon Sequence Variant Interpretation Standards. Collection method: curation. Allele origin: germline. Affected: yes.
Comment: C3 c.1119+1G>T is a canonical splice variant located in the donor splice region of intron 10. This variant has been observed in at least one proband affected with C3 deficiency (PMID:7923934). At least one splicing study identified that this variant results in aberrant splicing (PMID:7923934). It is absent or not present at a significant frequency in gnomAD. In conclusion, we classify C3 c.1119+1G>T as a pathogenic variant.

Literature cited by the submitters: PubMed 7923934.

NM_000064.4(C3):c.1119+1G>T

Gene: C3 (complement C3; minus strand). Cytogenetic location: 19p13.3.
Variant type: single nucleotide variant.
Coding change: c.1119+1G>T on transcript NM_000064.4 (MANE Select); the canonical splice donor site of the intron after coding-DNA position 1119, G replaced by T.
Molecular consequence: splice donor variant.
Genome position (GRCh38, 1-based): chr19:6,712,507, C>A on the plus strand (G>T on the coding strand, the complement: C3 is on the minus strand). VCF-style: chr19-6712507-C-A. GRCh37 (hg19) VCF-style: chr19-6712518-C-A.
Identifiers: ClinVar variation 4280250 (VCV004280250.1).